The following is an entry in ClinVar:

ClinVar aggregate classification (germline): Pathogenic (1 of 4 stars; one submission).

Conditions:
Fanconi anemia (FA). Also called: Fanconi's anemia. Identifiers: Orphanet 84, MedGen C0015625, MeSH D005199, MONDO:0019391.

Submission:

Labcorp Genetics (formerly Invitae), Labcorp
Classification: Pathogenic for Fanconi anemia. Last evaluated: 2020-01-20. Review status: criteria provided, single submitter. Criteria: Invitae Variant Classification Sherloc (09022015). Collection method: clinical testing. Allele origin: germline.
Comment: For these reasons, this variant has been classified as Pathogenic. Loss-of-function variants in FANCD2 are known to be pathogenic (PMID: 17436244). This variant has not been reported in the literature in individuals with FANCD2-related conditions. This variant is a gross deletion of the genomic region encompassing exons 2-3 of the FANCD2 gene, which includes the initiator codon. The 5' end of this event is unknown as it extends beyond the assayed region for this gene and therefore may encompass additional genes. The 3' boundary is likely confined to intron 3 of the FANCD2 gene. This is expected to result in an absent or disrupted protein product.

Literature cited by the submitters: PubMed 17436244.

NC_000003.11:g.(?_10070342)_(10074666_?)del

Gene: FANCD2 (FA complementation group D2; plus strand). Cytogenetic location: 3p25.3.
Variant type: Deletion.
Identifiers: ClinVar variation 1070736 (VCV001070736.5).